The following is an entry in ClinVar:

ClinVar aggregate classification (germline): Uncertain significance (1 of 4 stars; one submission).

Allele frequency attached by ClinVar (database versions not stated): TOPMed below 0.00001; ExAC 0.00001; gnomAD exomes 0.00001.
gnomAD v4.1: 19 of 1,612,466 alleles (0.0012%); highest among the groups gnomAD compares: Admixed American, 0.0033%; no homozygotes.

Submission:

Labcorp Genetics (formerly Invitae), Labcorp
Classification: Uncertain significance. Last evaluated: 2021-04-14. Review status: criteria provided, single submitter. Criteria: Invitae Variant Classification Sherloc (09022015). Collection method: clinical testing. Allele origin: germline.
Comment: This sequence change falls in intron 36 of the TTC37 gene. It does not directly change the encoded amino acid sequence of the TTC37 protein. It affects a nucleotide within the consensus splice site of the intron. This variant is present in population databases (rs781201322, ExAC 0.002%). This variant has not been reported in the literature in individuals with TTC37-related conditions. Nucleotide substitutions within the consensus splice site are a relatively common cause of aberrant splicing (PMID: 17576681, 9536098). Algorithms developed to predict the effect of sequence changes on RNA splicing suggest that this variant may create or strengthen a splice site, but this prediction has not been confirmed by published transcriptional studies. In summary, the available evidence is currently insufficient to determine the role of this variant in disease. Therefore, it has been classified as a Variant of Uncertain Significance.

Literature cited by the submitters: PubMed 17576681; PubMed 9536098.

NM_014639.4(SKIC3):c.3802+3G>A

Gene: SKIC3 (SKI3 subunit of superkiller complex; minus strand). Cytogenetic location: 5q15.
Variant type: single nucleotide variant.
Coding change: c.3802+3G>A on transcript NM_014639.4 (MANE Select); 3 bases into the intron after coding-DNA position 3802, G replaced by A.
Molecular consequence: intron variant.
Genome position (GRCh38, 1-based): chr5:95,494,679, C>T on the plus strand (G>A on the coding strand, the complement: SKIC3 is on the minus strand). VCF-style: chr5-95494679-C-T. GRCh37 (hg19) VCF-style: chr5-94830383-C-T.
Identifiers: ClinVar variation 1379548 (VCV001379548.3), dbSNP rs781201322, ClinGen allele CA3346598.